The following is an entry in ClinVar:

NM_004985.5(KRAS):c.326T>A (p.Val109Glu)

Gene: KRAS (KRAS proto-oncogene, GTPase; minus strand). Cytogenetic location: 12p12.1.
Variant type: single nucleotide variant.
Coding change: c.326T>A on transcript NM_004985.5 (MANE Select); coding-DNA position 326, T replaced by A.
Protein change: p.Val109Glu; replaces valine 109 with glutamic acid.
Molecular consequence: missense variant.
Genome position (GRCh38, 1-based): chr12:25,225,738, A>T on the plus strand (T>A on the coding strand, the complement: KRAS is on the minus strand). VCF-style: chr12-25225738-A-T. GRCh37 (hg19) VCF-style: chr12-25378672-A-T.
Other names: c.326T>A, p.Val109Glu (NM_001369786.1, NM_001369787.1, NM_033360.4); short protein forms V109E.
Identifiers: ClinVar variation 1729613 (VCV001729613.2), dbSNP rs2141506367, ClinGen allele CA384151538.
Genomic context (GRCh38, chr12:25,225,738, plus strand): 5'-TGTTTTGTGTCTACTGTTCTAGAAGGCAAATCACATTTATTTCCTACTAGGACCATAGGT[A>T]CATCTTCAGAGTCCTTAACTCTTTTAATTTGTTCTCTGGGAAAGAAAAAAAAGTTATAGC-3'
Protein context (NP_004976.2, residues 99-119): QIKRVKDSED[Val109Glu]PMVLVGNKCD

ClinVar aggregate classification (germline): Uncertain significance (1 of 4 stars; one submission).

Conditions:
Cardiovascular phenotype. Identifiers: MedGen CN230736.

Submission:

Ambry Genetics
Classification: Uncertain significance for Cardiovascular phenotype. Last evaluated: 2021-10-06. Review status: criteria provided, single submitter. Criteria: Ambry Variant Classification Scheme 2023. Collection method: clinical testing. Allele origin: germline.
Comment: The p.V109E variant (also known as c.326T>A), located in coding exon 3 of the KRAS gene, results from a T to A substitution at nucleotide position 326. The valine at codon 109 is replaced by glutamic acid, an amino acid with dissimilar properties. This amino acid position is conserved. In addition, this alteration is predicted to be deleterious by in silico analysis. Since supporting evidence is limited at this time, the clinical significance of this alteration remains unclear.